The following is an entry in ClinVar:

NM_014738.6(TMEM94):c.656C>G (p.Pro219Arg)

Gene: TMEM94 (transmembrane protein 94; plus strand). Cytogenetic location: 17q25.1.
Variant type: single nucleotide variant.
Coding change: c.656C>G on transcript NM_014738.6 (MANE Select); coding-DNA position 656, C replaced by G.
Protein change: p.Pro219Arg; replaces proline 219 with arginine.
Molecular consequence: missense variant.
Genome position (GRCh38, 1-based): chr17:75,488,802, C>G. VCF-style: chr17-75488802-C-G. GRCh37 (hg19) VCF-style: chr17-73484883-C-G.
Other names: c.686C>G, p.Pro229Arg (NM_001321148.2, NM_001351203.2); c.656C>G, p.Pro219Arg (NM_001321149.2, NM_001351202.2); short protein forms P219R, P229R.
Identifiers: ClinVar variation 3179756 (VCV003179756.4), dbSNP rs369687856, ClinGen allele CA8761553.

ClinVar aggregate classification (germline): Uncertain significance. Review status: criteria provided, multiple submitters, no conflicts (2 of 4 stars). 3 submissions from 3 submitters: Uncertain significance (3). Last evaluated 2024-03-12.

Conditions:
Inborn genetic diseases. Identifiers: MedGen C0950123, MeSH D030342.

gnomAD v4.1: 81 of 1,613,550 alleles (0.005%); highest among the groups gnomAD compares: Non-Finnish European, 0.0058%; no homozygotes.

Submissions (3):

Women's Health and Genetics/Laboratory Corporation of America, LabCorp
Classification: Uncertain significance. Last evaluated: 2024-03-12. Review status: criteria provided, single submitter. Criteria: LabCorp Variant Classification Summary - May 2015. Collection method: clinical testing. Allele origin: germline.
Comment: Variant summary: TMEM94 c.656C>G (p.Pro219Arg) results in a non-conservative amino acid change in the encoded protein sequence. Four of five in-silico tools predict a damaging effect of the variant on protein function. The variant allele was found at a frequency of 3.6e-05 in 249488 control chromosomes (gnomAD). The available data on variant occurrences in the general population are insufficient to allow any conclusion about variant significance. To our knowledge, no occurrence of c.656C>G in individuals affected with Intellectual Developmental Disorder With Cardiac Defects And Dysmorphic Facies and no experimental evidence demonstrating its impact on protein function have been reported. No submitters have cited clinical-significance assessments for this variant to ClinVar. Based on the evidence outlined above, the variant was classified as uncertain significance.

Ambry Genetics
Classification: Uncertain significance for Inborn genetic diseases. Last evaluated: 2023-12-14. Review status: criteria provided, single submitter. Criteria: Ambry Variant Classification Scheme 2023. Collection method: clinical testing. Allele origin: germline.

Blueprint Genetics
Classification: Uncertain significance. Last evaluated: 2023-10-16. Review status: criteria provided, single submitter. Criteria: ACMG Guidelines, 2015. Collection method: clinical testing. Allele origin: germline.